The following is an entry in ClinVar:

NM_000092.5(COL4A4):c.3844G>T (p.Gly1282Trp)

Gene: COL4A4 (collagen type IV alpha 4 chain; minus strand). Cytogenetic location: 2q36.3.
Variant type: single nucleotide variant.
Coding change: c.3844G>T on transcript NM_000092.5 (MANE Select); coding-DNA position 3844, G replaced by T.
Protein change: p.Gly1282Trp; replaces glycine 1282 with tryptophan.
Molecular consequence: missense variant.
Genome position (GRCh38, 1-based): chr2:227,030,572, C>A on the plus strand (G>T on the coding strand, the complement: COL4A4 is on the minus strand). VCF-style: chr2-227030572-C-A. GRCh37 (hg19) VCF-style: chr2-227895288-C-A.
Other names: short protein forms G1282W.
Identifiers: ClinVar variation 1177502 (VCV001177502.11), dbSNP rs777134408, ClinGen allele CA350837430.

ClinVar aggregate classification (germline): Uncertain significance. Review status: criteria provided, multiple submitters, no conflicts (2 of 4 stars). 2 submissions from 2 submitters: Uncertain significance (2). Last evaluated 2023-07-28.

Conditions:
Autosomal recessive Alport syndrome (ATS2). Also called: COL4A3-Related Nephropathy; COL4A4 Alport Syndrome and Thin Basement Membrane Nephropathy; ALPORT SYNDROME 2, AUTOSOMAL RECESSIVE; Alport syndrome type 2. Identifiers: Orphanet 63, Orphanet 88919, MedGen C4746745, MONDO:0008762, OMIM 203780.

gnomAD v4.1: 1 of 1,611,230 alleles (0.000062%); highest among the groups gnomAD compares: Non-Finnish European, 0.000085%; no homozygotes.

Submissions (2):

Women's Health and Genetics/Laboratory Corporation of America, LabCorp
Classification: Uncertain significance. Last evaluated: 2023-07-28. Review status: criteria provided, single submitter. Criteria: LabCorp Variant Classification Summary - May 2015. Collection method: clinical testing. Allele origin: germline.
Comment: Variant summary: COL4A4 c.3844G>T (p.Gly1282Trp) results in a non-conservative amino acid change in the encoded protein sequence. Five of five in-silico tools predict a damaging effect of the variant on protein function. The variant was absent in 245410 control chromosomes. The available data on variant occurrences in the general population are insufficient to allow any conclusion about variant significance. To our knowledge, no occurrence of c.3844G>T in individuals affected with Alport Syndrome, Autosomal Recessive and no experimental evidence demonstrating its impact on protein function have been reported. One submitter has cited clinical-significance assessments for this variant to ClinVar after 2014 and has classified the variant as uncertain significance. Based on the evidence outlined above, the variant was classified as uncertain significance.

Labcorp Genetics (formerly Invitae), Labcorp
Classification: Uncertain significance. Last evaluated: 2020-11-14. Review status: criteria provided, single submitter. Criteria: Invitae Variant Classification Sherloc (09022015). Collection method: clinical testing. Allele origin: germline.
Comment: In summary, the available evidence is currently insufficient to determine the role of this variant in disease. Therefore, it has been classified as a Variant of Uncertain Significance. Advanced modeling of protein sequence and biophysical properties (such as structural, functional, and spatial information, amino acid conservation, physicochemical variation, residue mobility, and thermodynamic stability) performed at Invitae indicates that this missense variant is not expected to disrupt COL4A4 protein function. This variant has not been reported in the literature in individuals with COL4A4-related conditions. This variant is not present in population databases (ExAC no frequency). This sequence change replaces glycine with tryptophan at codon 1282 of the COL4A4 protein (p.Gly1282Trp). The glycine residue is highly conserved and there is a large physicochemical difference between glycine and tryptophan.